The following is an entry in ClinVar:

NM_007194.4(CHEK2):c.778T>C (p.Ser260Pro)

Gene: CHEK2 (checkpoint kinase 2; minus strand). Cytogenetic location: 22q12.1.
Variant type: single nucleotide variant.
Coding change: c.778T>C on transcript NM_007194.4 (MANE Select); coding-DNA position 778, T replaced by C.
Protein change: p.Ser260Pro; replaces serine 260 with proline.
Molecular consequence: missense variant.
Genome position (GRCh38, 1-based): chr22:28,711,923, A>G on the plus strand (T>C on the coding strand, the complement: CHEK2 is on the minus strand). VCF-style: chr22-28711923-A-G. GRCh37 (hg19) VCF-style: chr22-29107911-A-G.
Other names: c.907T>C, p.Ser303Pro (NM_001005735.3); c.115T>C, p.Ser39Pro (NM_001257387.3); c.577T>C, p.Ser193Pro (NM_001349956.3); c.778T>C, p.Ser260Pro (NM_145862.3); short protein forms S303P, S193P, S260P, S39P.
Identifiers: ClinVar variation 2818232 (VCV002818232.3), dbSNP rs2145949185, ClinGen allele CA411103086.

ClinVar aggregate classification (germline): Uncertain significance (1 of 4 stars; one submission).

Conditions:
Familial cancer of breast. Also called: BREAST CANCER, FAMILIAL; hereditary breast carcinoma; Hereditary breast cancer. Identifiers: Orphanet 227535, MedGen C0346153, MONDO:0016419, OMIM 114480. Disease mechanism: loss of function.

Submission:

Labcorp Genetics (formerly Invitae), Labcorp
Classification: Uncertain significance for Familial cancer of breast. Last evaluated: 2025-07-09. Review status: criteria provided, single submitter. Criteria: Invitae Variant Classification Sherloc (09022015). Collection method: clinical testing. Allele origin: germline.
Comment: This sequence change replaces serine, which is neutral and polar, with proline, which is neutral and non-polar, at codon 260 of the CHEK2 protein (p.Ser260Pro). This variant is not present in population databases (gnomAD no frequency). This variant has not been reported in the literature in individuals affected with CHEK2-related conditions. ClinVar contains an entry for this variant (Variation ID: 2818232). An algorithm developed to predict the effect of missense changes on protein structure and function (PolyPhen-2) suggests that this variant is likely to be tolerated. In summary, the available evidence is currently insufficient to determine the role of this variant in disease. Therefore, it has been classified as a Variant of Uncertain Significance.